The following is an entry in ClinVar:

NM_001384140.1(PCDH15):c.460G>A (p.Ala154Thr)

Gene: PCDH15 (protocadherin related 15; minus strand). Cytogenetic location: 10q21.1.
Variant type: single nucleotide variant.
Coding change: c.460G>A on transcript NM_001384140.1 (MANE Select); coding-DNA position 460, G replaced by A.
Protein change: p.Ala154Thr; replaces alanine 154 with threonine.
Molecular consequence: missense variant.
Genome position (GRCh38, 1-based): chr10:54,369,134, C>T on the plus strand (G>A on the coding strand, the complement: PCDH15 is on the minus strand). VCF-style: chr10-54369134-C-T. GRCh37 (hg19) VCF-style: chr10-56128894-C-T.
Other names: c.475G>A, p.Ala159Thr (NM_001142763.2, NM_001142769.4, NM_001142771.2); c.460G>A, p.Ala154Thr (NM_001142764.2, NM_001142765.2, NM_001142766.2 and 8 more transcripts); c.394G>A, p.Ala132Thr (NM_001142768.2, NM_001142773.2, NM_001354404.2); short protein forms A132T, A154T, A159T.
Identifiers: ClinVar variation 3340982 (VCV003340982.1).
Genomic context (GRCh38, chr10:54,369,134, plus strand): 5'-ACATATATCAACAGAAAGGACAGAGAGAGAGTAAATAGAAACTGACCTCATTCACTGTGG[C>T]ATAGTAGCTTTCATGCTTGAAAGTGGGTGAGTTGTCATTCCTGTCTCTCACCACTATTCG-3'
Protein context (NP_001371069.1, residues 144-164): SPTFKHESYY[Ala154Thr]TVNELTPVGT

ClinVar aggregate classification (germline): Uncertain significance (1 of 4 stars; one submission).

gnomAD v4.1: 9 of 1,612,832 alleles (0.00056%); highest among the groups gnomAD compares: Non-Finnish European, 0.00076%; no homozygotes.

Submission:

GeneDx
Classification: Uncertain significance. Last evaluated: 2023-05-25. Review status: criteria provided, single submitter. Criteria: GeneDx Variant Classification Process June 2021. Collection method: clinical testing. Allele origin: germline. Affected: yes.
Comment: Not observed at significant frequency in large population cohorts (gnomAD); In silico analysis supports that this missense variant does not alter protein structure/function; Has not been previously published as pathogenic or benign to our knowledge